The following is an entry in ClinVar:

GRCh37/hg19 14q23.2(chr14:63779634-63849018)x3

Genes: GPHB5 (glycoprotein hormone subunit beta 5; minus strand), PPP2R5E (protein phosphatase 2 regulatory subunit B'epsilon; minus strand). Cytogenetic location: 14q23.2.
Variant type: copy number gain.
Change: copy number 3 (three copies instead of two) of chr14:63,779,634-63,849,018 (69.4 kb, GRCh37 coordinates, 1-based), cytogenetic band 14q23.2.
Identifiers: ClinVar variation 394056 (VCV000394056.3).

ClinVar aggregate classification (germline): Benign/Likely benign (0 of 4 stars; one submission).

Submission:

ISCA Site 6
Classification: Benign/Likely benign. Review status: no assertion criteria provided. Collection method: clinical testing. Allele origin: unknown. Affected: yes. Observed: 2 variant alleles.
Comment: Likely benign (1), Benign (1)

Copy number variation identified through the course of routine clinical cytogenomic testing in postnatal populations, with clinical assertions as classified by the original submitter. For data from the original published study, Kaminsky, et al. 2011 (PubMed 21844811), please see nstd101.